The following is an entry in ClinVar:

ClinVar aggregate classification (germline): Uncertain significance (1 of 4 stars; one submission).

Conditions:
Inflammatory bowel disease. Identifiers: Orphanet 104012, MedGen C0021390, MONDO:0005265.

Allele frequency attached by ClinVar (database versions not stated): gnomAD exomes below 0.00001.

Submission:

Labcorp Genetics (formerly Invitae), Labcorp
Classification: Uncertain significance for Inflammatory bowel disease. Last evaluated: 2022-01-27. Review status: criteria provided, single submitter. Criteria: Invitae Variant Classification Sherloc (09022015). Collection method: clinical testing. Allele origin: germline.
Comment: In summary, the available evidence is currently insufficient to determine the role of this variant in disease. Therefore, it has been classified as a Variant of Uncertain Significance. This variant has not been reported in the literature in individuals affected with IL10-related conditions. This variant is not present in population databases (gnomAD no frequency). This sequence change creates a premature translational stop signal (p.Leu70*) in the IL10 gene. It is expected to result in an absent or disrupted protein product. However, the current clinical and genetic evidence is not sufficient to establish whether loss-of-function variants in IL10 cause disease.

NM_000572.3(IL10):c.209T>A (p.Leu70Ter)

Genes: IL10 (interleukin 10; minus strand), IL19 (interleukin 19; plus strand). Cytogenetic location: 1q32.1.
Variant type: single nucleotide variant.
Coding change: c.209T>A on transcript NM_000572.3 (MANE Select); coding-DNA position 209, T replaced by A.
Protein change: p.Leu70Ter; replaces leucine 70 with a stop codon.
Molecular consequence: nonsense. On other transcripts: non-coding transcript variant (1), intron variant (2).
Genome position (GRCh38, 1-based): chr1:206,771,372, A>T on the plus strand (T>A on the coding strand, the complement: IL10 is on the minus strand). VCF-style: chr1-206771372-A-T. GRCh37 (hg19) VCF-style: chr1-206944717-A-T.
Other names: c.-149+294A>T (NM_153758.5); c.-149+542A>T (NM_001393490.1); short protein forms L70*.
Identifiers: ClinVar variation 1367861 (VCV001367861.6), dbSNP rs1558603013, ClinGen allele CA344482310.